The following is an entry in ClinVar:

ClinVar aggregate classification (germline): Uncertain significance (1 of 4 stars; one submission).

Allele frequency attached by ClinVar (database versions not stated): gnomAD exomes below 0.00001.
gnomAD v4.1: 4 of 1,614,170 alleles (0.00025%); highest among the groups gnomAD compares: Non-Finnish European, 0.00034%; no homozygotes.

Submission:

Ambry Genetics
Classification: Uncertain significance. Last evaluated: 2022-03-19. Review status: criteria provided, single submitter. Criteria: Ambry Variant Classification Scheme 2023. Collection method: clinical testing. Allele origin: germline.
Comment: The p.P1166T variant (also known as c.3496C>A), located in coding exon 31 of the KIF1B gene, results from a C to A substitution at nucleotide position 3496. The proline at codon 1166 is replaced by threonine, an amino acid with highly similar properties. This amino acid position is conserved. In addition, the in silico prediction for this alteration is inconclusive. Since supporting evidence is limited at this time, the clinical significance of this alteration remains unclear.

NM_001365951.3(KIF1B):c.3634C>A (p.Pro1212Thr)

Gene: KIF1B (kinesin family member 1B; plus strand). Cytogenetic location: 1p36.22.
Variant type: single nucleotide variant.
Coding change: c.3634C>A on transcript NM_001365951.3 (MANE Select); coding-DNA position 3634, C replaced by A.
Protein change: p.Pro1212Thr; replaces proline 1212 with threonine.
Molecular consequence: missense variant.
Genome position (GRCh38, 1-based): chr1:10,343,233, C>A. VCF-style: chr1-10343233-C-A. GRCh37 (hg19) VCF-style: chr1-10403291-C-A.
Other names: c.3634C>A, p.Pro1212Thr (NM_001365952.1); c.3496C>A, p.Pro1166Thr (NM_015074.3); short protein forms P1166T, P1212T.
Identifiers: ClinVar variation 1731983 (VCV001731983.2), dbSNP rs1365062837, ClinGen allele CA338342058.